The following is an entry in ClinVar:

NM_001953.5(TYMP):c.202G>A (p.Gly68Ser)

Gene: TYMP (thymidine phosphorylase; minus strand). Cytogenetic location: 22q13.33.
Variant type: single nucleotide variant.
Coding change: c.202G>A on transcript NM_001953.5 (MANE Select); coding-DNA position 202, G replaced by A.
Protein change: p.Gly68Ser; replaces glycine 68 with serine.
Molecular consequence: missense variant.
Genome position (GRCh38, 1-based): chr22:50,529,508, C>T on the plus strand (G>A on the coding strand, the complement: TYMP is on the minus strand). VCF-style: chr22-50529508-C-T. GRCh37 (hg19) VCF-style: chr22-50967937-C-T.
Other names: c.202G>A, p.Gly68Ser (LRG_727t2, LRG_727t1, NM_001113755.3 and 3 more transcripts); c.202G>A (NM_001953.3); short protein forms G68S.
Identifiers: ClinVar variation 342155 (VCV000342155.10), dbSNP rs760529157, ClinGen allele CA10321854.
Genomic context (GRCh38, chr22:50,529,508, plus strand): 5'-GGCTGACCTCCCAGTCGGGGTCAGGAACGCCCAACCCTCCCCACGCACCGATCTGTGCGC[C>T]CTGCGCGCTCCCATTCACCACAGCGGCCACGAAGCCCCTGATGTCCGCTTCGCTCAGGCG-3'
Protein context (NP_001944.1, residues 58-78): VAAVVNGSAQ[Gly68Ser]AQIGAMLMAI

ClinVar aggregate classification (germline): Uncertain significance. Review status: criteria provided, multiple submitters, no conflicts (2 of 4 stars). 5 submissions from 5 submitters: Uncertain significance (5). Last evaluated 2025-11-04.

Conditions:
Mitochondrial DNA depletion syndrome 1. Also called: Mitochondrial neurogastrointestinal encephalomyopathy syndrome; Mitochondrial DNA depletion syndrome 1 (MNGIE type); POLIP SYNDROME; POLYNEUROPATHY, OPHTHALMOPLEGIA, LEUKOENCEPHALOPATHY, AND INTESTINAL PSEUDOOBSTRUCTION; Mitochondrial Neurogastrointestinal Encephalopathy Disease; Mitochondrial DNA Depletion Syndrome, MNGIE Form. Identifiers: Orphanet 298, MedGen C4551995, MONDO:0011283, OMIM 603041.
Inborn genetic diseases. Identifiers: MedGen C0950123, MeSH D030342.
TYMP-related disorder. Also called: TYMP-related condition.

Allele frequency attached by ClinVar (database versions not stated): TOPMed below 0.00001; gnomAD exomes 0.00001; ExAC 0.00002.
gnomAD v4.1: 13 of 1,612,860 alleles (0.00081%); highest among the groups gnomAD compares: Middle Eastern, 0.13%; no homozygotes.

Submissions (5):

PreventionGenetics, part of Exact Sciences
Classification: Uncertain significance for TYMP-related condition. Last evaluated: 2025-11-04. Review status: criteria provided, single submitter. Criteria: ACMG Guidelines, 2015. Collection method: clinical testing. Allele origin: germline.
Comment: The TYMP c.202G>A variant is predicted to result in the amino acid substitution p.Gly68Ser. To our knowledge, this variant has not been reported in the literature. This variant is reported in 0.0029% of alleles in individuals of Latino descent in gnomAD. At this time, the clinical significance of this variant is uncertain due to the absence of conclusive functional and genetic evidence.

Ambry Genetics
Classification: Uncertain significance for Inborn genetic diseases. Last evaluated: 2025-08-04. Review status: criteria provided, single submitter. Criteria: Ambry Variant Classification Scheme 2023. Collection method: clinical testing. Allele origin: germline.

Pars Genome Lab
Classification: Uncertain significance for Mitochondrial DNA depletion syndrome 1. Last evaluated: 2021-05-18. Review status: criteria provided, single submitter. Criteria: ACMG Guidelines, 2015. Collection method: clinical testing. Allele origin: germline. Affected: no.

Illumina Laboratory Services, Illumina
Classification: Uncertain significance for Mitochondrial DNA depletion syndrome 1. Last evaluated: 2018-01-12. Review status: criteria provided, single submitter. Criteria: ICSL Variant Classification Criteria 13 December 2019. Collection method: clinical testing. Allele origin: germline.

Breakthrough Genomics
Classification: Uncertain significance. Review status: criteria provided, single submitter. Criteria: ACMG Guidelines, 2015. Collection method: not provided. Allele origin: germline. Inheritance: Autosomal dominant inheritance. Affected: yes.